The following is an entry in ClinVar:

ClinVar aggregate classification (germline): Conflicting classifications of pathogenicity. Review status: criteria provided, conflicting classifications (1 of 4 stars). 6 submissions from 6 submitters: Uncertain significance (2); Likely benign (3). 1 of the submissions does not count toward it. Last evaluated 2026-01-13.

Conditions:
Inborn genetic diseases. Identifiers: MedGen C0950123, MeSH D030342.
Congenital myasthenic syndrome 8. Also called: MYASTHENIC SYNDROME, CONGENITAL, DUE TO AGRIN DEFICIENCY; Myasthenic syndrome, congenital, 8, with pre- and postsynaptic defects. Identifiers: Orphanet 590, MedGen C3808739, MONDO:0014052, OMIM 615120.
AGRN-related disorder. Also called: AGRN-related condition.

Allele frequency attached by ClinVar (database versions not stated): gnomAD exomes 0.00027; ExAC 0.00079; 1000 Genomes Project 0.00200; gnomAD 0.00241 and 0.00265; 1000 Genomes Project 30x 0.00281; TOPMed 0.00292.

Submissions (6):

Labcorp Genetics (formerly Invitae), Labcorp
Classification: Likely benign for Congenital myasthenic syndrome 8. Last evaluated: 2026-01-13. Review status: criteria provided, single submitter. Criteria: Invitae Variant Classification Sherloc (09022015). Collection method: clinical testing. Allele origin: germline.

Ambry Genetics
Classification: Uncertain significance for Inborn genetic diseases. Last evaluated: 2025-05-28. Review status: criteria provided, single submitter. Criteria: Ambry Variant Classification Scheme 2023. Collection method: clinical testing. Allele origin: germline.

Mayo Clinic Laboratories, Mayo Clinic
Classification: Uncertain significance. Last evaluated: 2023-02-09. Review status: criteria provided, single submitter. Criteria: ACMG Guidelines, 2015. Collection method: clinical testing. Allele origin: germline. Observed: 2 variant alleles.
Comment: BS1

GeneDx
Classification: Likely benign. Last evaluated: 2020-07-27. Review status: criteria provided, single submitter. Criteria: GeneDx Variant Classification Process June 2021. Collection method: clinical testing. Allele origin: germline. Affected: yes.

Breakthrough Genomics
Classification: Likely benign. Review status: criteria provided, single submitter. Criteria: ACMG Guidelines, 2015. Collection method: not provided. Allele origin: germline. Inheritance: Autosomal recessive inheritance. Affected: yes.

PreventionGenetics, part of Exact Sciences
Classification: Benign for AGRN-related condition. Last evaluated: 2019-07-02. Review status: no assertion criteria provided. Collection method: clinical testing. Allele origin: germline. Not counted in ClinVar's aggregate classification.
Comment: This variant is classified as benign based on ACMG/AMP sequence variant interpretation guidelines (Richards et al. 2015 PMID: 25741868, with internal and published modifications).

NM_198576.4(AGRN):c.800C>T (p.Thr267Met)

Gene: AGRN (agrin; plus strand). Cytogenetic location: 1p36.33.
Variant type: single nucleotide variant.
Coding change: c.800C>T on transcript NM_198576.4 (MANE Select); coding-DNA position 800, C replaced by T.
Protein change: p.Thr267Met; replaces threonine 267 with methionine.
Molecular consequence: missense variant.
Genome position (GRCh38, 1-based): chr1:1,041,245, C>T. VCF-style: chr1-1041245-C-T. GRCh37 (hg19) VCF-style: chr1-976625-C-T.
Other names: p.Thr267Met; c.800C>T, p.Thr267Met (NM_001305275.2); c.485C>T, p.Thr162Met (NM_001364727.2); short protein forms T162M, T267M.
Identifiers: ClinVar variation 704003 (VCV000704003.23), dbSNP rs566673314, ClinGen allele CA507920.